The following is an entry in ClinVar:

ClinVar aggregate classification (germline): Uncertain significance (1 of 4 stars; one submission).

Allele frequency attached by ClinVar (database versions not stated): gnomAD 0.00002; TOPMed 0.00003.
gnomAD v4.1: 16 of 1,614,094 alleles (0.00099%); highest among the groups gnomAD compares: Admixed American, 0.018%; no homozygotes.

Submission:

Labcorp Genetics (formerly Invitae), Labcorp
Classification: Uncertain significance. Last evaluated: 2025-04-09. Review status: criteria provided, single submitter. Criteria: Invitae Variant Classification Sherloc (09022015). Collection method: clinical testing. Allele origin: germline.
Comment: This sequence change replaces valine, which is neutral and non-polar, with methionine, which is neutral and non-polar, at codon 551 of the LZTS1 protein (p.Val551Met). This variant is present in population databases (no rsID available, gnomAD 0.01%). This variant has not been reported in the literature in individuals affected with LZTS1-related conditions. ClinVar contains an entry for this variant (Variation ID: 2722757). Invitae Evidence Modeling of protein sequence and biophysical properties (such as structural, functional, and spatial information, amino acid conservation, physicochemical variation, residue mobility, and thermodynamic stability) indicates that this missense variant is not expected to disrupt LZTS1 protein function with a negative predictive value of 80%. In summary, the available evidence is currently insufficient to determine the role of this variant in disease. Therefore, it has been classified as a Variant of Uncertain Significance.

NM_021020.5(LZTS1):c.1651G>A (p.Val551Met)

Gene: LZTS1 (leucine zipper tumor suppressor 1; minus strand). Cytogenetic location: 8p21.3.
Variant type: single nucleotide variant.
Coding change: c.1651G>A on transcript NM_021020.5 (MANE Select); coding-DNA position 1651, G replaced by A.
Protein change: p.Val551Met; replaces valine 551 with methionine.
Molecular consequence: missense variant.
Genome position (GRCh38, 1-based): chr8:20,249,862, C>T on the plus strand (G>A on the coding strand, the complement: LZTS1 is on the minus strand). VCF-style: chr8-20249862-C-T. GRCh37 (hg19) VCF-style: chr8-20107373-C-T.
Other names: c.1651G>A, p.Val551Met (NM_001362884.2); short protein forms V551M.
Identifiers: ClinVar variation 2722757 (VCV002722757.3), dbSNP rs1194150501, ClinGen allele CA370475429.
Genomic context (GRCh38, chr8:20,249,862, plus strand): 5'-CCCCACGTGCCAGCTGCTGCAGGGCCTTCTCCAGGCGCTGGTTCCGCTGGTACATGGCCA[C>T]GTAGCTCTGCTGCAGCTGTTTCTGGTACTGAATCACCTTCTCCTTCTCCTCCTTCCACAC-3'
Protein context (NP_066300.1, residues 541-561): QYQKQLQQSY[Val551Met]AMYQRNQRLE